The following is an entry in ClinVar:

NM_001943.5(DSG2):c.1649A>G (p.Glu550Gly)

Gene: DSG2 (desmoglein 2; plus strand). Cytogenetic location: 18q12.1.
Variant type: single nucleotide variant.
Coding change: c.1649A>G on transcript NM_001943.5 (MANE Select); coding-DNA position 1649, A replaced by G.
Protein change: p.Glu550Gly; replaces glutamic acid 550 with glycine.
Molecular consequence: missense variant.
Genome position (GRCh38, 1-based): chr18:31,536,427, A>G. VCF-style: chr18-31536427-A-G. GRCh37 (hg19) VCF-style: chr18-29116390-A-G.
Other names: short protein forms E550G.
Identifiers: ClinVar variation 1059356 (VCV001059356.7), dbSNP rs2144342065, ClinGen allele CA402142298.

ClinVar aggregate classification (germline): Uncertain significance. Review status: criteria provided, multiple submitters, no conflicts (2 of 4 stars). 2 submissions from 2 submitters: Uncertain significance (2). Last evaluated 2023-04-10.

Conditions:
Arrhythmogenic right ventricular cardiomyopathy (ARVD). Also called: Cardiomyopathy, ARVC; Arrhythmogenic right ventricular dysplasia; Arrhythmogenic cardiomyopathy; Arrhythmogenic Right Ventricular Cardiomyopathy (ARVC). Identifiers: Orphanet 247, MedGen C0349788, MeSH D019571, MONDO:0016587. Disease mechanism: loss of function. Inheritance: Various modes of inheritance.
Arrhythmogenic right ventricular dysplasia 10. Also called: Arrhythmogenic Right Ventricular Dysplasia/Cardiomyopathy10; ARRHYTHMOGENIC RIGHT VENTRICULAR DYSPLASIA, FAMILIAL, 10; Arrhythmogenic right ventricular dysplasia/cardiomyopathy, type 10. Identifiers: MedGen C1857777, MONDO:0012434, OMIM 610193.

Allele frequency attached by ClinVar (database versions not stated): gnomAD exomes below 0.00001.
gnomAD v4.1: 1 of 1,612,664 alleles (0.000062%); highest among the groups gnomAD compares: Middle Eastern, 0.016%; no homozygotes.

Submissions (2):

All of Us Research Program, National Institutes of Health
Classification: Uncertain significance for Arrhythmogenic right ventricular cardiomyopathy. Last evaluated: 2023-04-10. Review status: criteria provided, single submitter. Criteria: ACMG Guidelines, 2015. Collection method: clinical testing. Allele origin: germline. Inheritance: Autosomal dominant inheritance. Observed: 1 variant allele, 1 heterozygote.
Comment: This missense variant replaces glutamic acid with glycine at codon 550 of the DSG2 protein. Computational prediction suggests that this variant may not impact protein structure and function (internally defined REVEL score threshold <= 0.5, PMID: 27666373). To our knowledge, functional studies have not been reported for this variant. This variant has not been reported in individuals affected with DSG2-related disorders in the literature. This variant has not been identified in the general population by the Genome Aggregation Database (gnomAD). The available evidence is insufficient to determine the role of this variant in disease conclusively. Therefore, this variant is classified as a Variant of Uncertain Significance.

This study involves interpretation of variants in research participants for the purpose of population health screening. Participant phenotype was not available at the time of variant classification. Additional details can be found in publication PMID: 35346344, PMCID: PMC8962531

Labcorp Genetics (formerly Invitae), Labcorp
Classification: Uncertain significance for Arrhythmogenic right ventricular dysplasia 10. Last evaluated: 2022-07-25. Review status: criteria provided, single submitter. Criteria: Invitae Variant Classification Sherloc (09022015). Collection method: clinical testing. Allele origin: germline.
Comment: This sequence change replaces glutamic acid, which is acidic and polar, with glycine, which is neutral and non-polar, at codon 550 of the DSG2 protein (p.Glu550Gly). This variant is not present in population databases (gnomAD no frequency). This variant has not been reported in the literature in individuals affected with DSG2-related conditions. ClinVar contains an entry for this variant (Variation ID: 1059356). Algorithms developed to predict the effect of missense changes on protein structure and function are either unavailable or do not agree on the potential impact of this missense change (SIFT: "Tolerated"; PolyPhen-2: "Possibly Damaging"; Align-GVGD: "Class C15"). In summary, the available evidence is currently insufficient to determine the role of this variant in disease. Therefore, it has been classified as a Variant of Uncertain Significance.